The following is an entry in ClinVar:

NM_000883.4(IMPDH1):c.967A>G (p.Lys323Glu)

Gene: IMPDH1 (inosine monophosphate dehydrogenase 1; minus strand). Cytogenetic location: 7q32.1.
Variant type: single nucleotide variant.
Coding change: c.967A>G on transcript NM_000883.4 (MANE Select); coding-DNA position 967, A replaced by G.
Protein change: p.Lys323Glu; replaces lysine 323 with glutamic acid.
Molecular consequence: missense variant.
Genome position (GRCh38, 1-based): chr7:128,398,521, T>C on the plus strand (A>G on the coding strand, the complement: IMPDH1 is on the minus strand). VCF-style: chr7-128398521-T-C. GRCh37 (hg19) VCF-style: chr7-128038575-T-C.
Other names: c.937A>G, p.Lys313Glu (NM_001102605.2); c.712A>G, p.Lys238Glu (NM_001142573.2); c.697A>G, p.Lys233Glu (NM_001142574.2); c.637A>G, p.Lys213Glu (NM_001142575.2); c.868A>G, p.Lys290Glu (NM_001142576.2); c.760A>G, p.Lys254Glu (NM_001304521.2); c.859A>G, p.Lys287Glu (NM_183243.3); short protein forms K323E, K213E, K313E, K233E, K254E, K287E, K238E, K290E.
Identifiers: ClinVar variation 618691 (VCV000618691.12), dbSNP rs1562989913, ClinGen allele CA369169047.
Genomic context (GRCh38, chr7:128,398,521, plus strand): 5'-ATTTGTCATCCTCACGGGTGCCCACAGCTGCCCCACAGAGCAGCTGCTTCTGGGAATCCT[T>C]GGAGGCCAGAGGGTAGTCTCGGTTCTTCTTCAGGTCGGTGCGGGCGATGATGGCCACCAG-3'
Protein context (NP_000874.2, residues 313-333): KKNRDYPLAS[Lys323Glu]DSQKQLLCGA

ClinVar aggregate classification (germline): Conflicting classifications of pathogenicity. Review status: criteria provided, conflicting classifications (1 of 4 stars). 5 submissions from 5 submitters: Likely pathogenic (3); Uncertain significance (2). Last evaluated 2023-10-01.

Conditions:
IMPDH1-related disorder. Also called: IMPDH1-related disorders; IMPDH1-related condition.
Retinal dystrophy. Also called: Inherited retinal dystrophy. Identifiers: Orphanet 71862, MedGen C0854723, MeSH D058499, MONDO:0019118, HP:0000556.
Retinitis pigmentosa 10 (RP10). Identifiers: Orphanet 791, MedGen C1867299, MONDO:0008379, OMIM 180105.

Submissions (5):

Dept Of Ophthalmology, Nagoya University
Classification: Uncertain significance for Retinal dystrophy. Last evaluated: 2023-10-01. Review status: criteria provided, single submitter. Criteria: Submitter's publication. Collection method: research. Allele origin: germline. Affected: yes.

Blueprint Genetics
Classification: Likely pathogenic for IMPDH1-related disorders. Last evaluated: 2020-05-18. Review status: criteria provided, single submitter. Criteria: ACMG Guidelines, 2015. Collection method: clinical testing. Allele origin: germline. Affected: yes. Observed: 2 variant alleles.

ARUP Laboratories, Molecular Genetics and Genomics, ARUP Laboratories
Classification: Uncertain significance. Last evaluated: 2018-05-14. Review status: criteria provided, single submitter. Criteria: ARUP Molecular Germline Variant Investigation Process. Collection method: clinical testing. Allele origin: germline.
Comment: The IMPDH1 c.967A>G; p.Lys323Glu variant, also known as Lys238Glu, is reported in the medical literature in a small family with autosomal dominant RP (Wada 2005a). Additionally, another variant in the same codon, p.Lys323Arg, is reported in at least two individuals with autosomal dominant RP (Pradan 2009, Vincent 2017, Wada 2005b). The p.Lys323Glu variant is not reported in the ClinVar database, and is also absent from general population databases (1000 Genomes Project, Exome Variant Server, and Genome Aggregation Database), indicating it is not a common polymorphism. The lysine at this position is conserved across species but computational algorithms predict this variant is tolerated (AlignGVGD, SIFT). Considering available information, the clinical significance of this variant cannot be determined with certainty. Pathogenic variants in IMPDH1 are associated with autosomal dominant retinitis pigmentosa (RP, MIM: 180105). References: Pradhan M et al. An audit of genetic testing in diagnosis of inherited retinal disorders: a prerequisite for gene-specific intervention. Clin Exp Ophthalmol. 2009 Sep;37(7):703-11. Vincent AL et al. Next-generation sequencing targeted disease panel in rod-cone retinal dystrophies in Maori and Polynesian reveals novel changes and a common founder mutation. Clin Exp Ophthalmol. 2017 Dec;45(9):901-910. Wada Y et al a. Screen of the IMPDH1 gene among patients with dominant retinitis pigmentosa and clinical features associated with the most common mutation, Asp226Asn. Invest Ophthalmol Vis Sci. 2005 May;46(5):1735-41. Wada Y et al b. Screening for mutations in the IMPDH1 gene in Japanese patients with autosomal dominant retinitis pigmentosa. Am J Ophthalmol. 2005 Jul;140(1):163-5.

Institute of Human Genetics, Univ. Regensburg, Univ. Regensburg
Classification: Likely pathogenic for Retinal dystrophy. Last evaluated: 2017-01-01. Review status: criteria provided, single submitter. Criteria: ACMG Guidelines, 2015. Collection method: clinical testing. Allele origin: germline. Affected: yes.

Neuberg Centre For Genomic Medicine, NCGM
Classification: Likely pathogenic for Retinitis pigmentosa 10. Review status: criteria provided, single submitter. Criteria: ACMG Guidelines, 2015. Collection method: clinical testing. Allele origin: germline. Inheritance: Autosomal dominant inheritance. Affected: yes.
Comment: The above variant has been previously reported in individuals affected with retinitis pigmentosa. This variant is also known as [Lys238Glu] (Wada Y, et.al., 2005). However functional evidences are required to prove the pathogenicity of the variant. Hence it is classified as Likley Pathogenic.

Literature cited by the submitters: PubMed 15851576 (cited by Institute of Human Genetics, Univ. Regensburg, Univ. Regensburg); PubMed 31213501 (cited by Institute of Human Genetics, Univ. Regensburg, Univ. Regensburg); PubMed 32037395 (cited by Institute of Human Genetics, Univ. Regensburg, Univ. Regensburg).